The following is an entry in ClinVar:

NM_005173.4(ATP2A3):c.2148C>T (p.Ile716=)

Gene: ATP2A3 (ATPase sarcoplasmic/endoplasmic reticulum Ca2+ transporting 3; minus strand). Cytogenetic location: 17p13.2.
Variant type: single nucleotide variant.
Coding change: c.2148C>T on transcript NM_005173.4 (MANE Select); coding-DNA position 2148, C replaced by T.
Protein change: p.Ile716=; no amino-acid change (isoleucine 716 retained).
Molecular consequence: synonymous variant.
Genome position (GRCh38, 1-based): chr17:3,937,589, G>A on the plus strand (C>T on the coding strand, the complement: ATP2A3 is on the minus strand). VCF-style: chr17-3937589-G-A. GRCh37 (hg19) VCF-style: chr17-3840883-G-A.
Other names: c.2148C>T, p.Ile716= (NM_174953.3, NM_174954.3, NM_174955.3 and 3 more transcripts).
Identifiers: ClinVar variation 774511 (VCV000774511.29), dbSNP rs148008479, ClinGen allele CA8296950.

ClinVar aggregate classification (germline): Benign/Likely benign. Review status: criteria provided, multiple submitters, no conflicts (2 of 4 stars). 4 submissions from 4 submitters: Benign (2); Likely benign (1). 1 of the submissions does not count toward it. Last evaluated 2022-10-01.

Conditions:
ATP2A3-related disorder. Also called: ATP2A3-related condition.

Allele frequency attached by ClinVar (database versions not stated): 1000 Genomes Project 30x 0.00172; 1000 Genomes Project 0.00180; TOPMed 0.00304; ESP Exome Variant Server 0.00315; ExAC 0.00646; gnomAD 0.00650 and 0.00684; gnomAD exomes 0.00667.
gnomAD v4.1: 10,850 of 1,614,072 alleles (0.67%); highest among the groups gnomAD compares: Non-Finnish European, 0.66%; 77 homozygotes.

Submissions (4):

CeGaT Center for Human Genetics Tuebingen
Classification: Likely benign. Last evaluated: 2022-10-01. Review status: criteria provided, single submitter. Criteria: CeGaT Center For Human Genetics Tuebingen Variant Classification Criteria Version 2. Collection method: clinical testing. Allele origin: germline. Affected: yes. Observed: 2 variant alleles.
Comment: ATP2A3: BP4, BP7

Labcorp Genetics (formerly Invitae), Labcorp
Classification: Benign. Last evaluated: 2018-07-25. Review status: criteria provided, single submitter. Criteria: Invitae Variant Classification Sherloc (09022015). Collection method: clinical testing. Allele origin: germline.

Breakthrough Genomics
Classification: Benign. Review status: criteria provided, single submitter. Criteria: ACMG Guidelines, 2015. Collection method: not provided. Allele origin: germline. Inheritance: Unknown mechanism. Affected: yes.

PreventionGenetics, part of Exact Sciences
Classification: Likely benign for ATP2A3-related condition. Last evaluated: 2019-02-21. Review status: no assertion criteria provided. Collection method: clinical testing. Allele origin: germline. Not counted in ClinVar's aggregate classification.
Comment: This variant is classified as likely benign based on ACMG/AMP sequence variant interpretation guidelines (Richards et al. 2015 PMID: 25741868, with internal and published modifications).